The following is an entry in ClinVar:

ClinVar aggregate classification (germline): Uncertain significance (1 of 4 stars; one submission).

Submission:

GeneDx
Classification: Uncertain significance. Last evaluated: 2025-06-11. Review status: criteria provided, single submitter. Criteria: GeneDx Variant Classification Process June 2021. Collection method: clinical testing. Allele origin: germline. Affected: yes.
Comment: Not observed at significant frequency in large population cohorts (gnomAD); In silico analysis suggests that this missense variant does not alter protein structure/function; Has not been previously published as pathogenic or benign to our knowledge

NM_014847.4(UBAP2L):c.1988C>T (p.Ala663Val)

Gene: UBAP2L (ubiquitin associated protein 2 like; plus strand). Cytogenetic location: 1q21.3.
Variant type: single nucleotide variant.
Coding change: c.1988C>T on transcript NM_014847.4 (MANE Select); coding-DNA position 1988, C replaced by T.
Protein change: p.Ala663Val; replaces alanine 663 with valine.
Molecular consequence: missense variant.
Genome position (GRCh38, 1-based): chr1:154,255,230, C>T. VCF-style: chr1-154255230-C-T. GRCh37 (hg19) VCF-style: chr1-154227706-C-T.
Other names: c.1988C>T, p.Ala663Val (NM_001127320.3, NM_001375614.1, NM_001375615.1 and 14 more transcripts); c.1967C>T, p.Ala656Val (NM_001287815.1); c.2021C>T, p.Ala674Val (NM_001287816.1, NM_001330730.1, NM_001375612.1 and 2 more transcripts); short protein forms A656V, A663V, A674V.
Identifiers: ClinVar variation 4537718 (VCV004537718.1).